The following is an entry in ClinVar:

ClinVar aggregate classification (germline): Uncertain significance (1 of 4 stars; one submission).

Allele frequency attached by ClinVar (database versions not stated): gnomAD 0.00001; TOPMed 0.00002.

Submission:

Labcorp Genetics (formerly Invitae), Labcorp
Classification: Uncertain significance. Last evaluated: 2025-08-23. Review status: criteria provided, single submitter. Criteria: Invitae Variant Classification Sherloc (09022015). Collection method: clinical testing. Allele origin: germline.
Comment: This sequence change creates a premature translational stop signal (p.Pro2334Serfs*27) in the FBN3 gene. It is expected to result in an absent or disrupted protein product. However, the current clinical and genetic evidence is not sufficient to establish whether loss-of-function variants in FBN3 cause disease. This variant is not present in population databases (gnomAD no frequency). This variant has not been reported in the literature in individuals affected with FBN3-related conditions. ClinVar contains an entry for this variant (Variation ID: 2173967). In summary, the available evidence is currently insufficient to determine the role of this variant in disease. Therefore, it has been classified as a Variant of Uncertain Significance.

NM_032447.5(FBN3):c.6999_7000insT (p.Pro2334fs)

Gene: FBN3 (fibrillin 3; minus strand). Cytogenetic location: 19p13.2.
Variant type: Insertion.
Coding change: c.6999_7000insT on transcript NM_032447.5 (MANE Select); coding-DNA positions 6999 to 7000, T inserted.
Protein change: p.Pro2334fs; shifts the reading frame from proline 2334.
Molecular consequence: frameshift variant.
Genome position: GRCh38 VCF-style: chr19-8085450-G-GA. GRCh37 (hg19) VCF-style: chr19-8150334-G-GA.
Other names: c.6999_7000insT, p.Pro2334fs (NM_001321431.2); short protein forms P2334fs.
Identifiers: ClinVar variation 2173967 (VCV002173967.4), dbSNP rs1370663774, ClinGen allele CA884276386.
Genomic context (GRCh38, chr19:8,085,450, plus strand): 5'-CATGGGGGCACAGCTTCCTGTAGGCAGAGGTGCCGGGCAGGGGACAGAGCTCGCAGCGGG[G>GA]CCCCCAGCCCCGGCCACCCCCACAGCAGCACTCGGCCCTGGTGACAGCCTCACTGCTGCT-3'